The following is an entry in ClinVar:

NM_002474.3(MYH11):c.611G>T (p.Gly204Val)

Gene: MYH11 (myosin heavy chain 11; minus strand). Cytogenetic location: 16p13.11.
Variant type: single nucleotide variant.
Coding change: c.611G>T on transcript NM_002474.3 (MANE Select); coding-DNA position 611, G replaced by T.
Protein change: p.Gly204Val; replaces glycine 204 with valine.
Molecular consequence: missense variant.
Genome position (GRCh38, 1-based): chr16:15,786,652, C>A on the plus strand (G>T on the coding strand, the complement: MYH11 is on the minus strand). VCF-style: chr16-15786652-C-A. GRCh37 (hg19) VCF-style: chr16-15880509-C-A.
Other names: c.611G>T, p.Gly204Val (NM_001040113.2, NM_001040114.2, NM_022844.3); short protein forms G204V.
Identifiers: ClinVar variation 2580457 (VCV002580457.2), dbSNP rs2506656064, ClinGen allele CA394873559.

ClinVar aggregate classification (germline): Uncertain significance. Review status: criteria provided, multiple submitters, no conflicts (2 of 4 stars). 2 submissions from 2 submitters: Uncertain significance (2). Last evaluated 2024-10-19.

Conditions:
Familial thoracic aortic aneurysm and aortic dissection (TAAD). Also called: Thoracic aortic aneurysms and dissections. Identifiers: Orphanet 91387, MedGen C4707243, MONDO:0019625.

Submissions (2):

Ambry Genetics
Classification: Uncertain significance for Familial thoracic aortic aneurysm and aortic dissection. Last evaluated: 2024-10-19. Review status: criteria provided, single submitter. Criteria: Ambry Variant Classification Scheme 2023. Collection method: clinical testing. Allele origin: germline.
Comment: The p.G204V variant (also known as c.611G>T), located in coding exon 4 of the MYH11 gene, results from a G to T substitution at nucleotide position 611. The glycine at codon 204 is replaced by valine, an amino acid with dissimilar properties. This amino acid position is conserved. In addition, this alteration is predicted to be deleterious by in silico analysis. Based on the available evidence, the clinical significance of this variant remains unclear.

GeneDx
Classification: Uncertain significance. Last evaluated: 2023-03-24. Review status: criteria provided, single submitter. Criteria: GeneDx Variant Classification Process June 2021. Collection method: clinical testing. Allele origin: germline. Affected: yes.
Comment: Has not been previously published as pathogenic or benign to our knowledge; Not observed at significant frequency in large population cohorts (gnomAD); In silico analysis supports that this missense variant has a deleterious effect on protein structure/function